The following is an entry in ClinVar:

ClinVar aggregate classification (germline): Uncertain significance. Review status: criteria provided, multiple submitters, no conflicts (2 of 4 stars). 3 submissions from 3 submitters: Uncertain significance (3). Last evaluated 2023-04-27.

Conditions:
Hereditary nonpolyposis colorectal neoplasms. Identifiers: MedGen C0009405, MeSH D003123.
Lynch syndrome 5 (LYNCH5). Also called: Colorectal cancer, hereditary nonpolyposis, type 5; Hereditary non-polyposis colorectal cancer, type 5. Identifiers: Orphanet 144, MedGen C1833477, MONDO:0013710, OMIM 614350. Disease mechanism: loss of function.
Mismatch repair cancer syndrome 3. Identifiers: MedGen C5436807, MONDO:0030841, OMIM 619097.
Endometrial carcinoma. Also called: Endometrial carcinoma, somatic. Identifiers: MedGen C0476089, MONDO:0002447, OMIM 608089, HP:0012114.

Submissions (3):

Department of Pathology and Laboratory Medicine, Sinai Health System
Classification: Uncertain significance for Endometrial carcinoma; Lynch syndrome 5; Mismatch repair cancer syndrome 3. Last evaluated: 2023-04-27. Review status: criteria provided, single submitter. Criteria: ACMG Guidelines, 2015. Collection method: clinical testing. Allele origin: germline. Affected: yes.

Clinical Genetics Laboratory, Skane University Hospital Lund
Classification: Uncertain significance. Last evaluated: 2022-05-27. Review status: criteria provided, single submitter. Criteria: ACMG Guidelines, 2015. Collection method: clinical testing. Allele origin: germline. Affected: yes.

Labcorp Genetics (formerly Invitae), Labcorp
Classification: Uncertain significance for Hereditary nonpolyposis colorectal neoplasms. Last evaluated: 2017-03-09. Review status: criteria provided, single submitter. Criteria: Invitae Variant Classification Sherloc (09022015). Collection method: clinical testing. Allele origin: germline.
Comment: In summary, this variant is a novel missense change that is not predicted to affect protein function. There is no indication that it causes disease, but the available evidence is currently insufficient to prove that conclusively. Therefore, it has been classified as a Variant of Uncertain Significance. Algorithms developed to predict the effect of missense changes on protein structure and function output the following: SIFT: "Tolerated"; PolyPhen-2: "Benign"; Align-GVGD: "Class C0". The proline amino acid residue is found in multiple mammalian species, suggesting that this missense change does not adversely affect protein function. These predictions have not been confirmed by published functional studies. This variant is not present in population databases (ExAC no frequency) and has not been reported in the literature in individuals with an MSH6-related disease. This sequence change replaces leucine with proline at codon 17 of the MSH6 protein (p.Leu17Pro). The leucine residue is weakly conserved and there is a moderate physicochemical difference between leucine and proline.

NM_000179.3(MSH6):c.50T>C (p.Leu17Pro)

Gene: MSH6 (mutS homolog 6; plus strand). Cytogenetic location: 2p16.3.
Variant type: single nucleotide variant.
Coding change: c.50T>C on transcript NM_000179.3 (MANE Select); coding-DNA position 50, T replaced by C.
Protein change: p.Leu17Pro; replaces leucine 17 with proline.
Molecular consequence: missense variant. On other transcripts: 5 prime UTR variant (1).
Genome position (GRCh38, 1-based): chr2:47,783,283, T>C. VCF-style: chr2-47783283-T-C. GRCh37 (hg19) VCF-style: chr2-48010422-T-C.
Other names: c.50T>C, p.Leu17Pro (NM_001281492.2); c.-687T>C (NM_001281493.2); short protein forms L17P.
Identifiers: ClinVar variation 455330 (VCV000455330.11), dbSNP rs1553408119, ClinGen allele CA346734547.